The following is an entry in ClinVar:

NM_000322.5(PRPH2):c.653C>A (p.Ser218Ter)

Gene: PRPH2 (peripherin 2; minus strand). Cytogenetic location: 6p21.1.
Variant type: single nucleotide variant.
Coding change: c.653C>A on transcript NM_000322.5 (MANE Select); coding-DNA position 653, C replaced by A.
Protein change: p.Ser218Ter; replaces serine 218 with a stop codon.
Molecular consequence: nonsense.
Genome position (GRCh38, 1-based): chr6:42,704,540, G>T on the plus strand (C>A on the coding strand, the complement: PRPH2 is on the minus strand). VCF-style: chr6-42704540-G-T. GRCh37 (hg19) VCF-style: chr6-42672278-G-T.
Other names: short protein forms S218*.
Identifiers: ClinVar variation 813079 (VCV000813079.54), dbSNP rs986748364, ClinGen allele CA364135499.

ClinVar aggregate classification (germline): Pathogenic/Likely pathogenic. Review status: criteria provided, multiple submitters, no conflicts (2 of 4 stars). 7 submissions from 7 submitters: Pathogenic (5); Likely pathogenic (1). 1 of the submissions does not count toward it. Last evaluated 2026-09-01.

Conditions:
Retinitis pigmentosa (RP). Identifiers: Orphanet 791, MedGen C0035334, MeSH D012174, MONDO:0019200, OMIM 268000. Inheritance: Autosomal dominant, autosomal recessive and X linked inheritance.
Patterned dystrophy of the retinal pigment epithelium (MDPT1). Identifiers: Orphanet 63454, MedGen C1868569, MONDO:0018973.
PRPH2-related disorder. Also called: PRPH2-related disorders; PRPH2-related condition. Identifiers: MedGen CN239395.

Submissions (7):

GeneDx
Classification: Pathogenic. Last evaluated: 2026-09-01. Review status: criteria provided, single submitter. Criteria: GeneDx Variant Classification Process June 2021. Collection method: clinical testing. Allele origin: germline.
Comment: Identified in patients with clinical features consistent with a PRPH2-related disorder referred for genetic testing at GeneDx and in published literature (PMID: 32531846, 32531858, 38474159); Nonsense variant predicted to result in protein truncation or nonsense mediated decay in a gene for which loss of function is a known mechanism of disease; Not observed at significant frequency in large population cohorts (gnomAD); This variant is associated with the following publications: (PMID: 32531846, 32531858, 38474159, 34411390)

Labcorp Genetics (formerly Invitae), Labcorp
Classification: Pathogenic for PRPH2-related disorder. Last evaluated: 2025-01-15. Review status: criteria provided, single submitter. Criteria: Invitae Variant Classification Sherloc (09022015). Collection method: clinical testing. Allele origin: germline.
Comment: This sequence change creates a premature translational stop signal (p.Ser218*) in the PRPH2 gene. It is expected to result in an absent or disrupted protein product. Loss-of-function variants in PRPH2 are known to be pathogenic (PMID: 8111389, 8485575, 8485576, 8675410, 16916875, 17504850, 22863181, 25675413, 26061163, 27365499, 29555955, 33546218). This variant is not present in population databases (gnomAD no frequency). This variant has not been reported in the literature in individuals affected with PRPH2-related conditions. ClinVar contains an entry for this variant (Variation ID: 813079). For these reasons, this variant has been classified as Pathogenic.

Blueprint Genetics
Classification: Pathogenic for PRPH2-related disorders. Last evaluated: 2022-05-13. Review status: criteria provided, single submitter. Criteria: ACMG Guidelines, 2015. Collection method: clinical testing. Allele origin: germline. Affected: yes. Observed: 5 variant alleles.

Molecular Genetics Laboratory, Institute for Ophthalmic Research
Classification: Pathogenic for Retinitis pigmentosa. Last evaluated: 2020-01-09. Review status: criteria provided, single submitter. Criteria: ACMG Guidelines, 2015. Collection method: research. Allele origin: germline. Affected: yes.

NEI Ophthalmic Genomics Laboratory, National Institutes of Health
Classification: Likely pathogenic for Patterned dystrophy of the retinal pigment epithelium. Last evaluated: 2020-01-07. Review status: criteria provided, single submitter. Criteria: ACMG Guidelines, 2015. Collection method: clinical testing. Allele origin: germline. Affected: yes.
Comment: The variant NM_000322.4:c.653C>A in the PRPH2 gene has not been reported to our knowledge . This variant is not listed in dbSNP and/or HGMD. It is absent in gnomAD browser. It is not enriched in the PRPH2 disease cohort. We invoked ACMG criteria [PVS1, PM2] and classified NM_000322.4:c.653C>A in the PRPH2 gene as a Likely Pathogenic mutation.

CeGaT Center for Human Genetics Tuebingen
Classification: Pathogenic. Last evaluated: 2018-06-01. Review status: criteria provided, single submitter. Criteria: CeGaT Center For Human Genetics Tuebingen Variant Classification Criteria Version 2. Collection method: clinical testing. Allele origin: germline. Affected: yes. Observed: 1 variant allele.

Leiden Open Variation Database
Classification: Pathogenic. Last evaluated: 2021-04-06. Review status: no assertion criteria provided. Collection method: curation. Allele origin: germline. Affected: yes. Not counted in ClinVar's aggregate classification.
Comment: Curator: Global Variome, with Curator vacancy. Submitter to LOVD: Manon Peeters.

Literature cited by the submitters: PubMed 8111389 (cited by Labcorp Genetics (formerly Invitae), Labcorp); PubMed 8485575 (cited by Labcorp Genetics (formerly Invitae), Labcorp); PubMed 8485576 (cited by Labcorp Genetics (formerly Invitae), Labcorp); PubMed 8675410 (cited by Labcorp Genetics (formerly Invitae), Labcorp); PubMed 16916875 (cited by Labcorp Genetics (formerly Invitae), Labcorp); PubMed 17504850 (cited by Labcorp Genetics (formerly Invitae), Labcorp); PubMed 22863181 (cited by Labcorp Genetics (formerly Invitae), Labcorp); PubMed 25675413 (cited by Labcorp Genetics (formerly Invitae), Labcorp); PubMed 26061163 (cited by Labcorp Genetics (formerly Invitae), Labcorp); PubMed 27365499 (cited by Labcorp Genetics (formerly Invitae), Labcorp); PubMed 29555955 (cited by Labcorp Genetics (formerly Invitae), Labcorp); PubMed 33546218 (cited by Labcorp Genetics (formerly Invitae), Labcorp); PubMed 32531846 (cited by Leiden Open Variation Database).